The following is an entry in ClinVar:

ClinVar aggregate classification (germline): Likely pathogenic. Review status: reviewed by expert panel (3 of 4 stars). 4 submissions from 4 submitters: Likely pathogenic (1). 3 of the submissions do not count toward it. Last evaluated 2025-08-05.

Conditions:
Glycogen storage disease, type II (IOPD). Also called: Glycogen storage disease type 2; Acid maltase deficiency disease; Aglucosidase alfa; Deficiency of alpha-glucosidase; Deficiency of lysosomal alpha-glucosidase; Glucosidase acid-1,4-alpha deficiency. Identifiers: Orphanet 365, MedGen C0017921, MONDO:0009290, OMIM 232300.

Allele frequency attached by ClinVar (database versions not stated): gnomAD exomes below 0.00001.
gnomAD v4.1: 2 of 1,612,792 alleles (0.00012%); highest among the groups gnomAD compares: Middle Eastern, 0.016%; no homozygotes.

Submissions (4):

ClinGen Lysosomal Storage Disorder Variant Curation Expert Panel
Classification: Likely pathogenic for Glycogen storage disease, type II. Last evaluated: 2025-08-05. Review status: reviewed by expert panel. Criteria: clingen_lsd_acmg_specifications_v2-1. Collection method: curation. Allele origin: germline. Inheritance: Autosomal recessive inheritance.
Comment: The NM_000152.5:c.1194+5G>A variant is a nucleotide substitution in the donor splice region of intron 7 in GAA. RT-PCR of RNA from the peripheral blood cells of a patient with Pompe disease who is homozygous for the variant revealed that the major impact of this variant on splicing is the skipping of exon 7, which would result in a frameshift. In addition, intron 7 and intron 8 were retained in some transcripts, and the level of GAA mRNA in general was reduced, likely due to nonsense-mediated decay (Fig 2, PMID: 30770309); qPCR indicates expression ∼15% of normal splicing of exon 7 compared with the healthy control. The in silico predictor, SpliceAI also predicts loss of the donor splice site (score = 0.59 ) and loss of the acceptor splice site of exon 7 (score = 0.64) (PVS1_Strong). Three patients with a diagnosis of Pompe disease have been described with this variant, all with late-onset Pompe disease. Residual GAA activity levels were available for one of these patients (PMID: 30770309), and the other two patients were reported to be on enzyme replacement therapy (PMID: 27711114; possible overlap with patients in PMIDs: 25998610, 31378569) (PP4_Moderate). One patient is homozygous for the variant (PMID: 30770309) (PM3_Supporting). Two patients are compound heterozygous for the variant and c.1781G>A (p.Arg594His), phase unknown (PMID: 27711114). The data from these two patients was used in the classification of p.Arg594His and is not included here to avoid circular logic. The highest population minor allele frequency in gnomAD v4.1.0. is 0.0001650 (1/6062 alleles) in the Middle Eastern population, which is lower than the ClinGen Lysosomal Diseases VCEP’s threshold for PM2_Supporting (<0.001), meeting this criterion (PM2_Supporting). The is a ClinVar entry for this variant (Variation ID: 930445). In summary, this variant meets the criteria to be classified as likely pathogenic for Pompe disease. GAA-specific ACMG/AMP criteria applied, as specified by the ClinGen Lysosomal Storage Diseases VCEP (Specifications Version 2.0.0): PVS1_Strong, PP4_Moderate, PM2_Supporting PM3_Supporting. (Classification approved by the ClinGen Lysosomal Storage Diseases Variant Curation Expert Panel on August 5, 2025)

Genomenon, Inc
Classification: Likely pathogenic for Glycogen storage disease, type II. Last evaluated: 2026-07-01. Review status: criteria provided, single submitter. Criteria: Genomenon Sequence Variant Interpretation Standards - Updated. Collection method: curation. Allele origin: germline. Affected: yes. Not counted in ClinVar's aggregate classification.
Comment: GAA c.1194+5G>A is an intronic variant located in the donor splice region of intron 7. This variant has been observed in at least one proband with a GAA-related disorder in the compound heterozygous and/or homozygous state (PMID:27711114;30770309). It is absent or not present at a significant frequency in gnomAD. In conclusion, we classify GAA c.1194+5G>A as a likely pathogenic variant.

Natera, Inc.
Classification: Likely pathogenic for Glycogen storage disease type II. Last evaluated: 2025-06-01. Review status: criteria provided, single submitter. Criteria: Natera Variant Classification Schema (03/2026). Collection method: clinical testing. Allele origin: germline. Not counted in ClinVar's aggregate classification.
Comment: The c.1194+5G>A variant in GAA is an intronic variant located outside the canonical splice sites. This variant is rare in the general population with a frequency below the threshold expected for the associated phenotype(s). This variant has been observed in one or more individuals affected with the associated recessive disease, as either homozygous or compound heterozygous with a second variant (PMID: 30770309, 30022036). Functional studies show that this variant may disrupt protein function (PMID: 30770309). Computational prediction algorithms indicate this variant is likely to affect gene or protein function. Given the available evidence, this variant is classified as Likely Pathogenic.

Centre for Mendelian Genomics, University Medical Centre Ljubljana
Classification: Likely pathogenic for Glycogen storage disease, type II. Last evaluated: 2016-01-01. Review status: criteria provided, single submitter. Criteria: ACMG Guidelines, 2015. Collection method: clinical testing. Allele origin: unknown. Affected: yes. Not counted in ClinVar's aggregate classification.
Comment: This variant was classified as: Likely pathogenic.

Literature cited by the submitters: PubMed 27711114 (cited by Genomenon, Inc); PubMed 30770309 (cited by Genomenon, Inc and Natera, Inc.); PubMed 30022036 (cited by Natera, Inc.).

NM_000152.5(GAA):c.1194+5G>A

Gene: GAA (alpha glucosidase; plus strand). Cytogenetic location: 17q25.3.
Variant type: single nucleotide variant.
Coding change: c.1194+5G>A on transcript NM_000152.5 (MANE Select); 5 bases into the intron after coding-DNA position 1194, G replaced by A.
Molecular consequence: intron variant.
Genome position (GRCh38, 1-based): chr17:80,108,612, G>A. VCF-style: chr17-80108612-G-A. GRCh37 (hg19) VCF-style: chr17-78082411-G-A.
Other names: c.1194+5G>A (NM_000152.4, NM_001079803.3, NM_001079804.3).
Identifiers: ClinVar variation 930445 (VCV000930445.7), dbSNP rs2039153749, ClinGen allele CA658795243.
Genomic context (GRCh38, chr17:80,108,612, plus strand): 5'-CCACCGCTATCACCCGCCAGGTGGTGGAGAACATGACCAGGGCCCACTTCCCCCTGGTGA[G>A]TTGGGGTGGTGGCAGGGGAGGCAAGGGGCTGGCCGGGACGCGTCTCCTCAGGCCCCAGCA-3'